The following is an entry in ClinVar:

NM_002691.4(POLD1):c.3271G>T (p.Asp1091Tyr)

Gene: POLD1 (DNA polymerase delta 1, catalytic subunit; plus strand). Cytogenetic location: 19q13.33.
Variant type: single nucleotide variant.
Coding change: c.3271G>T on transcript NM_002691.4 (MANE Select); coding-DNA position 3271, G replaced by T.
Protein change: p.Asp1091Tyr; replaces aspartic acid 1091 with tyrosine.
Molecular consequence: missense variant. On other transcripts: non-coding transcript variant (1).
Genome position (GRCh38, 1-based): chr19:50,417,894, G>T. VCF-style: chr19-50417894-G-T. GRCh37 (hg19) VCF-style: chr19-50921151-G-T.
Other names: c.3271G>T (NM_002691.2); c.3271G>T, p.Asp1091Tyr (NM_001256849.1); c.3349G>T, p.Asp1117Tyr (NM_001308632.1); short protein forms D1117Y, D1091Y.
Identifiers: ClinVar variation 2091068 (VCV002091068.6), dbSNP rs946088822, ClinGen allele CA406987811.

ClinVar aggregate classification (germline): Uncertain significance. Review status: criteria provided, multiple submitters, no conflicts (2 of 4 stars). 2 submissions from 2 submitters: Uncertain significance (2). Last evaluated 2023-06-24.

Conditions:
Hereditary cancer-predisposing syndrome. Also called: Tumor predisposition; Neoplastic Syndromes, Hereditary; Hereditary Cancer Syndrome; Hereditary neoplastic syndrome. Identifiers: Orphanet 140162, MedGen C0027672, MeSH D009386, MONDO:0015356.
POLD1-related polyposis and colorectal cancer syndrome (CRCS10). Also called: Colorectal cancer 10; COLORECTAL CANCER, SUSCEPTIBILITY TO, ON CHROMOSOME 19q; Colorectal cancer, susceptibility to, 10. Identifiers: Orphanet 220460, MedGen C2675481, MONDO:0012953, OMIM 612591.

Submissions (2):

Ambry Genetics
Classification: Uncertain significance for Hereditary cancer-predisposing syndrome. Last evaluated: 2023-06-24. Review status: criteria provided, single submitter. Criteria: Ambry Variant Classification Scheme 2023. Collection method: clinical testing. Allele origin: germline.
Comment: The p.D1091Y variant (also known as c.3271G>T), located in coding exon 26 of the POLD1 gene, results from a G to T substitution at nucleotide position 3271. The aspartic acid at codon 1091 is replaced by tyrosine, an amino acid with highly dissimilar properties. This amino acid position is conserved. In addition, this alteration is predicted to be tolerated by in silico analysis. Since supporting evidence is limited at this time, the clinical significance of this alteration remains unclear.

Labcorp Genetics (formerly Invitae), Labcorp
Classification: Uncertain significance for POLD1-related polyposis and colorectal cancer syndrome. Last evaluated: 2022-08-22. Review status: criteria provided, single submitter. Criteria: Invitae Variant Classification Sherloc (09022015). Collection method: clinical testing. Allele origin: germline.
Comment: In summary, the available evidence is currently insufficient to determine the role of this variant in disease. Therefore, it has been classified as a Variant of Uncertain Significance. Algorithms developed to predict the effect of missense changes on protein structure and function are either unavailable or do not agree on the potential impact of this missense change (SIFT: "Deleterious"; PolyPhen-2: "Possibly Damaging"; Align-GVGD: "Class C0"). This variant has not been reported in the literature in individuals affected with POLD1-related conditions. This variant is not present in population databases (gnomAD no frequency). This sequence change replaces aspartic acid, which is acidic and polar, with tyrosine, which is neutral and polar, at codon 1091 of the POLD1 protein (p.Asp1091Tyr).